The following is an entry in ClinVar:

NM_001378452.1(ITPR1):c.6746A>G (p.Asn2249Ser)

Gene: ITPR1 (inositol 1,4,5-trisphosphate receptor type 1; plus strand). Cytogenetic location: 3p26.1.
Variant type: single nucleotide variant.
Coding change: c.6746A>G on transcript NM_001378452.1 (MANE Select); coding-DNA position 6746, A replaced by G.
Protein change: p.Asn2249Ser; replaces asparagine 2249 with serine.
Molecular consequence: missense variant.
Genome position (GRCh38, 1-based): chr3:4,788,077, A>G. VCF-style: chr3-4788077-A-G. GRCh37 (hg19) VCF-style: chr3-4829761-A-G.
Other names: c.6602A>G, p.Asn2201Ser (NM_001099952.4); c.6701A>G, p.Asn2234Ser (NM_001168272.2); c.6557A>G, p.Asn2186Ser (NM_002222.7); short protein forms N2186S, N2201S, N2234S, N2249S.
Identifiers: ClinVar variation 2432931 (VCV002432931.5), dbSNP rs528363626, ClinGen allele CA68828015.

ClinVar aggregate classification (germline): Uncertain significance. Review status: criteria provided, multiple submitters, no conflicts (2 of 4 stars). 2 submissions from 2 submitters: Uncertain significance (2). Last evaluated 2025-06-09.

Allele frequency attached by ClinVar (database versions not stated): TOPMed below 0.00001; gnomAD exomes below 0.00001.
gnomAD v4.1: 6 of 1,611,702 alleles (0.00037%); highest among the groups gnomAD compares: Non-Finnish European, 0.00051%; no homozygotes.

Submissions (2):

Labcorp Genetics (formerly Invitae), Labcorp
Classification: Uncertain significance. Last evaluated: 2025-06-09. Review status: criteria provided, single submitter. Criteria: Invitae Variant Classification Sherloc (09022015). Collection method: clinical testing. Allele origin: germline.
Comment: This sequence change replaces asparagine, which is neutral and polar, with serine, which is neutral and polar, at codon 2186 of the ITPR1 protein (p.Asn2186Ser). This variant is not present in population databases (gnomAD no frequency). This variant has not been reported in the literature in individuals affected with ITPR1-related conditions. ClinVar contains an entry for this variant (Variation ID: 2432931). Invitae Evidence Modeling of protein sequence and biophysical properties (such as structural, functional, and spatial information, amino acid conservation, physicochemical variation, residue mobility, and thermodynamic stability) indicates that this missense variant is not expected to disrupt ITPR1 protein function with a negative predictive value of 95%. In summary, the available evidence is currently insufficient to determine the role of this variant in disease. Therefore, it has been classified as a Variant of Uncertain Significance.

Revvity Omics, Revvity
Classification: Uncertain significance. Last evaluated: 2021-09-13. Review status: criteria provided, single submitter. Criteria: ACMG Guidelines, 2015. Collection method: clinical testing. Allele origin: germline.